The following is an entry in ClinVar:

NM_001845.6(COL4A1):c.1905G>C (p.Lys635Asn)

Gene: COL4A1 (collagen type IV alpha 1 chain; minus strand). Cytogenetic location: 13q34.
Variant type: single nucleotide variant.
Coding change: c.1905G>C on transcript NM_001845.6 (MANE Select); coding-DNA position 1905, G replaced by C.
Protein change: p.Lys635Asn; replaces lysine 635 with asparagine.
Molecular consequence: missense variant.
Genome position (GRCh38, 1-based): chr13:110,183,269, C>G on the plus strand (G>C on the coding strand, the complement: COL4A1 is on the minus strand). VCF-style: chr13-110183269-C-G. GRCh37 (hg19) VCF-style: chr13-110835616-C-G.
Other names: short protein forms K635N.
Identifiers: ClinVar variation 2819724 (VCV002819724.3), dbSNP rs2501792469, ClinGen allele CA388722486.
Genomic context (GRCh38, chr13:110,183,269, plus strand): 5'-CCCCGGCAGTCCTTCTGCTCCAGGGGGGCCTGGTAAAGGAACAATTTTTCCTGGTTCACC[C>G]TTTGGACCTAGAGGAAAAAAAGAGCAAAGACAAACGATGAAGGAATGAGGACCACACGGA-3'
Protein context (NP_001836.3, residues 625-645): GPGSPGLPGP[Lys635Asn]GEPGKIVPLP

ClinVar aggregate classification (germline): Uncertain significance (1 of 4 stars; one submission).

Submission:

Labcorp Genetics (formerly Invitae), Labcorp
Classification: Uncertain significance. Last evaluated: 2022-12-09. Review status: criteria provided, single submitter. Criteria: Invitae Variant Classification Sherloc (09022015). Collection method: clinical testing. Allele origin: germline.
Comment: In summary, the available evidence is currently insufficient to determine the role of this variant in disease. Therefore, it has been classified as a Variant of Uncertain Significance. Algorithms developed to predict the effect of missense changes on protein structure and function are either unavailable or do not agree on the potential impact of this missense change (SIFT: "Deleterious"; PolyPhen-2: "Benign"; Align-GVGD: "Class C0"). This variant has not been reported in the literature in individuals affected with COL4A1-related conditions. This variant is not present in population databases (gnomAD no frequency). This sequence change replaces lysine, which is basic and polar, with asparagine, which is neutral and polar, at codon 635 of the COL4A1 protein (p.Lys635Asn).